The following is an entry in ClinVar:

NM_001080517.3(SETD5):c.687A>G (p.Val229=)

Gene: SETD5 (SET domain containing 5; plus strand). Cytogenetic location: 3p25.3.
Variant type: single nucleotide variant.
Coding change: c.687A>G on transcript NM_001080517.3 (MANE Select); coding-DNA position 687, A replaced by G.
Protein change: p.Val229=; no amino-acid change (valine 229 retained).
Molecular consequence: synonymous variant.
Genome position (GRCh38, 1-based): chr3:9,440,575, A>G. VCF-style: chr3-9440575-A-G. GRCh37 (hg19) VCF-style: chr3-9482259-A-G.
Other names: c.687A>G (NM_001080517.2); c.393A>G, p.Val131= (NM_001292043.2, NM_001349451.2).
Identifiers: ClinVar variation 1206651 (VCV001206651.15), dbSNP rs371218876, ClinGen allele CA2238991.

ClinVar aggregate classification (germline): Likely benign. Review status: criteria provided, multiple submitters, no conflicts (2 of 4 stars). 4 submissions from 4 submitters: Likely benign (3). 1 of the submissions does not count toward it. Last evaluated 2026-05-01.

Conditions:
SETD5-related disorder. Also called: SETD5-related disorders; SETD5-related condition.

Allele frequency attached by ClinVar (database versions not stated): gnomAD exomes 0.00004 and 0.00020; ExAC 0.00006; TOPMed 0.00009; gnomAD 0.00011; ESP Exome Variant Server 0.00025.
gnomAD v4.1: 313 of 1,613,890 alleles (0.019%); highest among the groups gnomAD compares: Non-Finnish European, 0.025%; 1 homozygote.

Submissions (4):

CeGaT Center for Human Genetics Tuebingen
Classification: Likely benign. Last evaluated: 2026-05-01. Review status: criteria provided, single submitter. Criteria: CeGaT Center For Human Genetics Tuebingen Variant Classification Criteria Version 2. Collection method: clinical testing. Allele origin: germline. Affected: yes. Observed: 1 variant allele.
Comment: SETD5: BP4, BP7

Labcorp Genetics (formerly Invitae), Labcorp
Classification: Likely benign. Last evaluated: 2023-02-20. Review status: criteria provided, single submitter. Criteria: Invitae Variant Classification Sherloc (09022015). Collection method: clinical testing. Allele origin: germline.

GeneDx
Classification: Likely benign. Last evaluated: 2020-01-09. Review status: criteria provided, single submitter. Criteria: GeneDx Variant Classification Process June 2021. Collection method: clinical testing. Allele origin: germline. Affected: yes.

PreventionGenetics, part of Exact Sciences
Classification: Likely benign for SETD5-related condition. Last evaluated: 2019-03-28. Review status: no assertion criteria provided. Collection method: clinical testing. Allele origin: germline. Not counted in ClinVar's aggregate classification.
Comment: This variant is classified as likely benign based on ACMG/AMP sequence variant interpretation guidelines (Richards et al. 2015 PMID: 25741868, with internal and published modifications).